The following is an entry in ClinVar:

ClinVar aggregate classification (germline): Pathogenic (1 of 4 stars; one submission).

Conditions:
Combined malonic and methylmalonic acidemia. Identifiers: Orphanet 289504, MedGen C3280314, MONDO:0013661, OMIM 614265.

Submission:

Labcorp Genetics (formerly Invitae), Labcorp
Classification: Pathogenic for Combined malonic and methylmalonic acidemia. Last evaluated: 2023-05-22. Review status: criteria provided, single submitter. Criteria: Invitae Variant Classification Sherloc (09022015). Collection method: clinical testing. Allele origin: germline.
Comment: For these reasons, this variant has been classified as Pathogenic. This variant disrupts a region of the ACSF3 protein in which other variant(s) (p.Arg558Trp) have been determined to be pathogenic (PMID: 21841779, 26827111). This suggests that this is a clinically significant region of the protein, and that variants that disrupt it are likely to be disease-causing. This variant has not been reported in the literature in individuals affected with ACSF3-related conditions. This variant is not present in population databases (gnomAD no frequency). This sequence change results in a frameshift in the ACSF3 gene (p.Glu535Serfs*137). While this is not anticipated to result in nonsense mediated decay, it is expected to disrupt the last 42 amino acid(s) of the ACSF3 protein and extend the protein by 94 additional amino acid residues.

Literature cited by the submitters: PubMed 21841779; PubMed 26827111.

NM_001243279.3(ACSF3):c.1602del (p.Glu535fs)

Gene: ACSF3 (acyl-CoA synthetase family member 3; plus strand). Cytogenetic location: 16q24.3.
Variant type: Deletion.
Coding change: c.1602del on transcript NM_001243279.3 (MANE Select); coding-DNA position 1602, one base deleted (A; older notation c.1602delA).
Protein change: p.Glu535fs; shifts the reading frame from glutamic acid 535.
Molecular consequence: frameshift variant. On other transcripts: non-coding transcript variant (4).
Genome position (GRCh38, 1-based): chr16:89,146,038, A deleted; the last of 3 consecutive A bases (chr16:89,146,036-89,146,038); deleting any one gives the same sequence. VCF-style (leftmost placement, unchanged base first): chr16-89146035-CA-C. GRCh37 (hg19) VCF-style: chr16-89212443-CA-C.
Other names: c.1602del, p.Glu535fs (NM_001127214.4, NM_174917.5); c.807del, p.Glu270fs (NM_001284316.2); short protein forms E270fs, E535fs.
Identifiers: ClinVar variation 2864283 (VCV002864283.3), dbSNP rs1350227206, ClinGen allele CA2576118620.